The following is an entry in ClinVar:

NM_198565.3(NRROS):c.795C>T (p.Phe265=)

Gene: NRROS (negative regulator of reactive oxygen species; plus strand). Cytogenetic location: 3q29.
Variant type: single nucleotide variant.
Coding change: c.795C>T on transcript NM_198565.3 (MANE Select); coding-DNA position 795, C replaced by T.
Protein change: p.Phe265=; no amino-acid change (phenylalanine 265 retained).
Molecular consequence: synonymous variant.
Genome position (GRCh38, 1-based): chr3:196,660,438, C>T. VCF-style: chr3-196660438-C-T. GRCh37 (hg19) VCF-style: chr3-196387309-C-T.
Identifiers: ClinVar variation 5040849 (VCV005040849.1).
Genomic context (GRCh38, chr3:196,660,438, plus strand): 5'-GGGAGAGGCTGCCTTCGAGCTGGAGACGCTGGACCTGTCTCACAACCAGCTGCTGTTCTT[C>T]CCGCTGCTGCCCCAGTACAGCAAGTTGCGGACCCTCCTGCTGCGCGACAACAACATGGGC-3'
Protein context (NP_940967.1, residues 255-275): LDLSHNQLLF[Phe265=]PLLPQYSKLR

ClinVar aggregate classification (germline): Likely benign (1 of 4 stars; one submission).

gnomAD v4.1: 739 of 1,613,808 alleles (0.046%); highest among the groups gnomAD compares: Non-Finnish European, 0.059%; 2 homozygotes.

Submission:

CeGaT Center for Human Genetics Tuebingen
Classification: Likely benign. Last evaluated: 2026-09-01. Review status: criteria provided, single submitter. Criteria: CeGaT Center For Human Genetics Tuebingen Variant Classification Criteria Version 2. Collection method: clinical testing. Allele origin: germline. Affected: yes. Observed: 1 variant allele.
Comment: NRROS: BP4